The following is an entry in ClinVar:

NM_206933.4(USH2A):c.14791+2T>A

Gene: USH2A (usherin; minus strand). Cytogenetic location: 1q41.
Variant type: single nucleotide variant.
Coding change: c.14791+2T>A on transcript NM_206933.4 (MANE Select); the canonical splice donor site of the intron after coding-DNA position 14791, T replaced by A.
Molecular consequence: splice donor variant.
Genome position (GRCh38, 1-based): chr1:215,647,520, A>T on the plus strand (T>A on the coding strand, the complement: USH2A is on the minus strand). VCF-style: chr1-215647520-A-T. GRCh37 (hg19) VCF-style: chr1-215820862-A-T.
Other names: c.14791+2T>A (NM_206933.3).
Identifiers: ClinVar variation 553701 (VCV000553701.13), dbSNP rs1553250050, ClinGen allele CA344830652.
Genomic context (GRCh38, chr1:215,647,520, plus strand): 5'-GCAAGCTTCTCCTGACCACATTCCAATCTCTCTGGCTTATGGTAGCAGCCACTTATACTC[A>T]CATTCTTTTTGGGTGGTGAAACTGATCCACTCGGAAGCCGTACTGCCCACCTCGTTGTGT-3'

ClinVar aggregate classification (germline): Pathogenic/Likely pathogenic. Review status: criteria provided, multiple submitters, no conflicts (2 of 4 stars). 7 submissions from 6 submitters: Pathogenic (4); Likely pathogenic (2). 1 of the submissions does not count toward it. Last evaluated 2025-03-27.

Conditions:
Usher syndrome type 2A. Also called: RETINAL DISEASE IN USHER SYNDROME TYPE IIA, MODIFIER OF; USHER SYNDROME, TYPE IIA. Identifiers: Orphanet 231178, Orphanet 886, MedGen C1848634, MONDO:0010169, OMIM 276901.
Retinitis pigmentosa 39 (RP39). Identifiers: Orphanet 791, MedGen C3151138, MONDO:0013436, OMIM 613809.
USH2A-related disorder. Also called: USH2A-related disorders; USH2A-related condition. Identifiers: MedGen CN239332.

Allele frequency attached by ClinVar (database versions not stated): TOPMed below 0.00001.
gnomAD v4.1: 4 of 1,613,720 alleles (0.00025%); highest among the groups gnomAD compares: Non-Finnish European, 0.00025%; no homozygotes.

Submissions (7):

Revvity Omics, Revvity
Classification: Pathogenic. Last evaluated: 2025-03-27. Review status: criteria provided, single submitter. Criteria: ACMG Guidelines, 2015. Collection method: clinical testing. Allele origin: germline.

Natera, Inc.
Classification: Pathogenic for Usher syndrome type 2A. Last evaluated: 2024-05-30. Review status: criteria provided, single submitter. Criteria: Natera Variant Classification Schema (03/2026). Collection method: clinical testing. Allele origin: germline.
Comment: The c.14791+2T>A variant in USH2A is a canonical splice donor site variant predicted to affect pre-mRNA splicing, which may result in an abnormal transcript and altered protein product. This variant is expected to result in nonsense mediated decay, truncation, or a dysfunctional protein product. This variant is rare in the general population with a frequency below the threshold expected for the associated phenotype(s). This variant has been observed in one or more individuals affected with the associated recessive disease, as either homozygous or compound heterozygous with a second variant (PMID: 32176120). Another variant at this same site results in an alteration predicted to cause a similar molecular effect has been observed in individual(s) with the associated phenotype. Given the available evidence, this variant is classified as Pathogenic.

Genome-Nilou Lab
Classification: Likely pathogenic for Retinitis pigmentosa 39. Last evaluated: 2023-04-11. Review status: criteria provided, single submitter. Criteria: ACMG Guidelines, 2015. Collection method: clinical testing. Allele origin: germline. Affected: no.

Genome-Nilou Lab
Classification: Likely pathogenic for Usher syndrome type 2A. Last evaluated: 2023-04-11. Review status: criteria provided, single submitter. Criteria: ACMG Guidelines, 2015. Collection method: clinical testing. Allele origin: germline. Affected: no.

Labcorp Genetics (formerly Invitae), Labcorp
Classification: Pathogenic. Last evaluated: 2022-12-26. Review status: criteria provided, single submitter. Criteria: Invitae Variant Classification Sherloc (09022015). Collection method: clinical testing. Allele origin: germline.
Comment: This sequence change affects a donor splice site in intron 67 of the USH2A gene. It is expected to disrupt RNA splicing. Variants that disrupt the donor or acceptor splice site typically lead to a loss of protein function (PMID: 16199547), and loss-of-function variants in USH2A are known to be pathogenic (PMID: 10729113, 10909849, 20507924, 25649381). This variant is not present in population databases (gnomAD no frequency). Disruption of this splice site has been observed in individuals with USH2A-related conditions (PMID: 27460420, 29099798). ClinVar contains an entry for this variant (Variation ID: 553701). Algorithms developed to predict the effect of sequence changes on RNA splicing suggest that this variant may disrupt the consensus splice site. For these reasons, this variant has been classified as Pathogenic.

Blueprint Genetics
Classification: Pathogenic for USH2A-related disorders. Last evaluated: 2022-03-14. Review status: criteria provided, single submitter. Criteria: ACMG Guidelines, 2015. Collection method: clinical testing. Allele origin: germline. Affected: yes. Observed: 3 variant alleles.

Counsyl
Classification: Likely pathogenic for Usher syndrome type 2A; Retinitis pigmentosa 39. Last evaluated: 2017-09-05. Review status: no assertion criteria provided. Collection method: clinical testing. Allele origin: unknown. Not counted in ClinVar's aggregate classification.

Literature cited by the submitters: PubMed 32176120 (cited by Natera, Inc.); PubMed 16199547 (cited by Labcorp Genetics (formerly Invitae), Labcorp); PubMed 10729113 (cited by Labcorp Genetics (formerly Invitae), Labcorp); PubMed 10909849 (cited by Labcorp Genetics (formerly Invitae), Labcorp); PubMed 20507924 (cited by Labcorp Genetics (formerly Invitae), Labcorp); PubMed 25649381 (cited by Labcorp Genetics (formerly Invitae), Labcorp); PubMed 27460420 (cited by Labcorp Genetics (formerly Invitae), Labcorp); PubMed 29099798 (cited by Labcorp Genetics (formerly Invitae), Labcorp).